The following is an entry in ClinVar:

ClinVar aggregate classification (germline): Likely pathogenic (1 of 4 stars; one submission).

Conditions:
SLC6A8-related disorder. Also called: SLC6A8-related condition.

Submission:

PreventionGenetics, part of Exact Sciences
Classification: Likely pathogenic for SLC6A8-related condition. Last evaluated: 2026-03-30. Review status: criteria provided, single submitter. Criteria: ACMG Guidelines, 2015. Collection method: clinical testing. Allele origin: germline.
Comment: The SLC6A8 c.1467G>A variant is predicted to result in premature protein termination (p.Trp489*). To our knowledge, this variant has not been reported in the literature or in a large population database (gnomAD), indicating this variant is rare. Nonsense variants in SLC6A8 are expected to be pathogenic. This variant is interpreted as likely pathogenic.

NM_005629.4(SLC6A8):c.1467G>A (p.Trp489Ter)

Gene: SLC6A8 (solute carrier family 6 member 8; plus strand). Cytogenetic location: Xq28.
Variant type: single nucleotide variant.
Coding change: c.1467G>A on transcript NM_005629.4 (MANE Select); coding-DNA position 1467, G replaced by A.
Protein change: p.Trp489Ter; replaces tryptophan 489 with a stop codon.
Molecular consequence: nonsense.
Genome position (GRCh38, 1-based): chrX:153,694,418, G>A. VCF-style: chrX-153694418-G-A. GRCh37 (hg19) VCF-style: chrX-152959873-G-A.
Other names: c.1437G>A, p.Trp479Ter (NM_001142805.2); c.1122G>A, p.Trp374Ter (NM_001142806.1); short protein forms W374*, W479*, W489*.
Identifiers: ClinVar variation 4992015 (VCV004992015.1).